The following is an entry in ClinVar:

NM_015662.3(IFT172):c.1590G>A (p.Gln530=)

Gene: IFT172 (intraflagellar transport 172; minus strand). Cytogenetic location: 2p23.3.
Variant type: single nucleotide variant.
Coding change: c.1590G>A on transcript NM_015662.3 (MANE Select); coding-DNA position 1590, G replaced by A.
Protein change: p.Gln530=; no amino-acid change (glutamine 530 retained).
Molecular consequence: synonymous variant.
Genome position (GRCh38, 1-based): chr2:27,471,030, C>T on the plus strand (G>A on the coding strand, the complement: IFT172 is on the minus strand). VCF-style: chr2-27471030-C-T. GRCh37 (hg19) VCF-style: chr2-27693897-C-T.
Identifiers: ClinVar variation 742425 (VCV000742425.13), dbSNP rs770918577, ClinGen allele CA1580583.

ClinVar aggregate classification (germline): Likely benign. Review status: criteria provided, multiple submitters, no conflicts (2 of 4 stars). 3 submissions from 3 submitters: Likely benign (2). 1 of the submissions does not count toward it. Last evaluated 2025-11-28.

Conditions:
IFT172-related disorder. Also called: IFT172-related condition; IFT172-related disorders.
Retinitis pigmentosa 71 (RP71). Identifiers: Orphanet 791, MedGen C4225342, MONDO:0014618, OMIM 616394.
Short-rib thoracic dysplasia 10 with or without polydactyly (SRTD10). Identifiers: Orphanet 474, MedGen C3810175, MONDO:0014284, OMIM 615630.

Allele frequency attached by ClinVar (database versions not stated): gnomAD exomes 0.00003; TOPMed 0.00012.
gnomAD v4.1: 41 of 1,613,940 alleles (0.0025%); highest among the groups gnomAD compares: Non-Finnish European, 0.0034%; no homozygotes.

Submissions (3):

Labcorp Genetics (formerly Invitae), Labcorp
Classification: Likely benign for Retinitis pigmentosa 71; Short-rib thoracic dysplasia 10 with or without polydactyly. Last evaluated: 2025-11-28. Review status: criteria provided, single submitter. Criteria: Invitae Variant Classification Sherloc (09022015). Collection method: clinical testing. Allele origin: germline.

Blueprint Genetics
Classification: Likely benign. Last evaluated: 2024-10-29. Review status: criteria provided, single submitter. Criteria: ACMG Guidelines, 2015. Collection method: clinical testing. Allele origin: germline.

PreventionGenetics, part of Exact Sciences
Classification: Likely benign for IFT172-related condition. Last evaluated: 2023-09-29. Review status: no assertion criteria provided. Collection method: clinical testing. Allele origin: germline. Not counted in ClinVar's aggregate classification.
Comment: This variant is classified as likely benign based on ACMG/AMP sequence variant interpretation guidelines (Richards et al. 2015 PMID: 25741868, with internal and published modifications).